The following is an entry in ClinVar:

NM_172107.4(KCNQ2):c.1118+1G>A

Gene: KCNQ2 (potassium voltage-gated channel subfamily Q member 2; minus strand). Cytogenetic location: 20q13.33.
Variant type: single nucleotide variant.
Coding change: c.1118+1G>A on transcript NM_172107.4 (MANE Select); the canonical splice donor site of the intron after coding-DNA position 1118, G replaced by A.
Molecular consequence: splice donor variant. On other transcripts: synonymous variant (1).
Genome position (GRCh38, 1-based): chr20:63,433,808, C>T on the plus strand (G>A on the coding strand, the complement: KCNQ2 is on the minus strand). VCF-style: chr20-63433808-C-T. GRCh37 (hg19) VCF-style: chr20-62065161-C-T.
Other names: c.1119G>A, p.Arg373= (NM_172109.3); c.1118+1G>A (NM_004518.6, NM_172108.5, NM_172106.3 and 1 more transcripts).
Identifiers: ClinVar variation 21758 (VCV000021758.4), dbSNP rs397507449, ClinGen allele CA342464.
Genomic context (GRCh38, chr20:63,433,808, plus strand): 5'-AGAACAAATGGAAAATAAAAAATGAAACAGTTGCTTGGTGGCAGGTGCCCGGCGGCGGTA[C>T]CTGTACATGGGCACGGTGACCGTTCGCTCGTAGTACTGCCACGTGGAGTGCAGGTCTGTG-3'

ClinVar aggregate classification (germline): Conflicting classifications of pathogenicity. Review status: criteria provided, conflicting classifications (1 of 4 stars). 3 submissions from 3 submitters: Pathogenic (1); Benign (1). 1 of the submissions does not count toward it. Last evaluated 2026-04-02.

Conditions:
Seizures, benign familial neonatal, 1. Also called: KCNQ2-Related Self-Limited Familial Neonatal Epilepsy (SLFNE); Benign Neonatal Epilepsy 1; Seizures, benign neonatal, 1; KCNQ2-Related Benign Familial Neonatal Epilepsy. Identifiers: Orphanet 1949, MedGen C3149074, MONDO:0007365, OMIM 121200.

Submissions (3):

GeneDx
Classification: Pathogenic. Last evaluated: 2026-04-02. Review status: criteria provided, single submitter. Criteria: GeneDx Variant Classification Process June 2021. Collection method: clinical testing. Allele origin: germline.
Comment: Canonical splice site variant predicted to result in a null allele in a gene for which loss of function is a known mechanism of disease; Not observed at significant frequency in large population cohorts (gnomAD); This variant is associated with the following publications: (PMID: 25525159, 15596769, 33659638, 28717674)

Mendelics
Classification: Benign for Seizures, benign familial neonatal, 1. Last evaluated: 2019-05-28. Review status: criteria provided, single submitter. Criteria: Mendelics Assertion Criteria 2017. Collection method: clinical testing. Allele origin: unknown.

GeneReviews
No classification provided. Condition: Seizures, benign familial neonatal, 1. Review status: no classification provided. Collection method: literature only. Allele origin: germline. Affected: yes. Not counted in ClinVar's aggregate classification.
Comment: BNE (benign neonatal epilepsy)

Literature cited by the submitters: PubMed 15596769 (cited by GeneReviews); NCBI Bookshelf NBK32534 (cited by GeneReviews).